The following is an entry in ClinVar:

NM_031372.4(HNRNPDL):c.136G>C (p.Ala46Pro)

Gene: HNRNPDL (heterogeneous nuclear ribonucleoprotein D like; minus strand). Cytogenetic location: 4q21.22.
Variant type: single nucleotide variant.
Coding change: c.136G>C on transcript NM_031372.4 (MANE Select); coding-DNA position 136, G replaced by C.
Protein change: p.Ala46Pro; replaces alanine 46 with proline.
Molecular consequence: missense variant. On other transcripts: non-coding transcript variant (1).
Genome position (GRCh38, 1-based): chr4:82,429,555, C>G on the plus strand (G>C on the coding strand, the complement: HNRNPDL is on the minus strand). VCF-style: chr4-82429555-C-G. GRCh37 (hg19) VCF-style: chr4-83350708-C-G.
Other names: c.136G>C, p.Ala46Pro (NM_001207000.1); short protein forms A46P.
Identifiers: ClinVar variation 2504144 (VCV002504144.26), dbSNP rs374295265, ClinGen allele CA100599410.
Genomic context (GRCh38, chr4:82,429,555, plus strand): 5'-GCTGCTGGGCGGTGACGTGGCGCTGGGCCCGGCGCGCCCCCTGCCGGGCGGAGCTGGGAG[C>G]GAGCGAAGGGAGGAGCGGGGCTAGCTGCCGCGGCGGCCGCGGCCGCCAATGGGAGAGGCT-3'
Protein context (NP_112740.1, residues 36-56): RQLAPLLPSL[Ala46Pro]PSSARQGARR

ClinVar aggregate classification (germline): Uncertain significance. Review status: criteria provided, multiple submitters, no conflicts (2 of 4 stars). 2 submissions from 2 submitters: Uncertain significance (2). Last evaluated 2023-03-14.

Allele frequency attached by ClinVar (database versions not stated): TOPMed below 0.00001; ESP Exome Variant Server 0.00010.
gnomAD v4.1: 10 of 1,451,270 alleles (0.00069%); highest among the groups gnomAD compares: Non-Finnish European, 0.0009%; no homozygotes.

Submissions (2):

Centre of Medical Genetics, University Hospital Muenster
Classification: Uncertain significance. Last evaluated: 2023-03-14. Review status: criteria provided, single submitter. Criteria: ACMG Guidelines, 2015. Collection method: clinical testing. Allele origin: unknown. Affected: yes. Observed: 1 variant allele, 1 heterozygote.
Comment: ACMG categories: PM2

CeGaT Center for Human Genetics Tuebingen
Classification: Uncertain significance. Last evaluated: 2023-03-01. Review status: criteria provided, single submitter. Criteria: CeGaT Center For Human Genetics Tuebingen Variant Classification Criteria Version 2. Collection method: clinical testing. Allele origin: germline. Affected: yes. Observed: 1 variant allele.
Comment: HNRNPDL: PM2